The following is an entry in ClinVar:

ClinVar aggregate classification (germline): Conflicting classifications of pathogenicity. Review status: criteria provided, conflicting classifications (1 of 4 stars). 2 submissions from 1 submitter: Uncertain significance (1); Benign (1). Last evaluated 2018-03-23.

Conditions:
Susceptibility to mononeuropathy of the median nerve, mild. Also called: CARPAL TUNNEL SYNDROME, SUSCEPTIBILITY TO. Identifiers: MedGen C3150596, MONDO:0013237, OMIM 613353.
Charcot-Marie-Tooth disease type 4C (CMT4C). Also called: CHARCOT-MARIE-TOOTH DISEASE, DEMYELINATING, TYPE 4C; SH3TC2-Related Hereditary Motor and Sensory Neuropathy; Charcot-Marie-Tooth Neuropathy Type 4C (CMT4C); CHARCOT-MARIE-TOOTH DISEASE, DEMYELINATING, AUTOSOMAL RECESSIVE, TYPE 4C; CMT 4C. Identifiers: Orphanet 99949, MedGen C1866636, MONDO:0011113, OMIM 601596.

Allele frequency attached by ClinVar (database versions not stated): TOPMed 0.00002; 1000 Genomes Project 0.00100; 1000 Genomes Project 30x 0.00109.

Submissions (2):

Illumina Laboratory Services, Illumina
Classification: Uncertain significance for Charcot-Marie-Tooth disease type 4C. Last evaluated: 2018-03-23. Review status: criteria provided, single submitter. Criteria: ICSL Variant Classification Criteria 13 December 2019. Collection method: clinical testing. Allele origin: germline.

Illumina Laboratory Services, Illumina
Classification: Benign for Susceptibility to mononeuropathy of the median nerve, mild. Last evaluated: 2018-03-20. Review status: criteria provided, single submitter. Criteria: ICSL Variant Classification Criteria 13 December 2019. Collection method: clinical testing. Allele origin: germline.
Comment: This variant was observed in the ICSL laboratory as part of a predisposition screen in an ostensibly healthy population. It had not been previously curated by ICSL or reported in the Human Gene Mutation Database (HGMD: prior to June 1st, 2018), and was therefore a candidate for classification through an automated scoring system. Utilizing variant allele frequency, disease prevalence and penetrance estimates, and inheritance mode, an automated score was calculated to assess if this variant is too frequent to cause the disease. Based on the score and internal cut-off values, a variant classified as benign is not then subjected to further curation. The score for this variant resulted in a classification of benign for this disease.

NM_024577.4(SH3TC2):c.*3035C>A

Gene: SH3TC2 (SH3 domain and tetratricopeptide repeats 2; minus strand). Cytogenetic location: 5q32.
Variant type: single nucleotide variant.
Coding change: c.*3035C>A on transcript NM_024577.4 (MANE Select); 3035 bases downstream of the stop codon, C replaced by A.
Molecular consequence: 3 prime UTR variant.
Genome position (GRCh38, 1-based): chr5:149,001,676, G>T on the plus strand (C>A on the coding strand, the complement: SH3TC2 is on the minus strand). VCF-style: chr5-149001676-G-T. GRCh37 (hg19) VCF-style: chr5-148381239-G-T.
Identifiers: ClinVar variation 906126 (VCV000906126.4), dbSNP rs183531576, ClinGen allele CA128992682.